The following is an entry in ClinVar:

ClinVar aggregate classification (germline): Uncertain significance. Review status: criteria provided, multiple submitters, no conflicts (2 of 4 stars). 2 submissions from 2 submitters: Uncertain significance (2). Last evaluated 2024-09-30.

Conditions:
Familial hypobetalipoproteinemia 1. Also called: APOB-Related Familial Hypobetalipoproteinemia; Hypobetalipoproteinemia, normotriglyceridemic; Acanthocytosis with hypobetalipoproteinemia. Identifiers: MedGen C4551990, MONDO:0014252, OMIM 615558.
Hypercholesterolemia, autosomal dominant, type B (FHCL2). Also called: Hyperlipoproteinemia Type IIb; Familial hypercholesterolemia 2; Familial Hypercholesterolemia Type B; APOLIPOPROTEIN B-100, FAMILIAL DEFECTIVE; APOLIPOPROTEIN B-100, FAMILIAL LIGAND-DEFECTIVE; HYPERCHOLESTEROLEMIA, FAMILIAL, DUE TO LIGAND-DEFECTIVE APOLIPOPROTEIN B. Identifiers: MedGen C1704417, MONDO:0007751, OMIM 144010.
Cardiovascular phenotype. Identifiers: MedGen CN230736.

Submissions (2):

Labcorp Genetics (formerly Invitae), Labcorp
Classification: Uncertain significance for Familial hypobetalipoproteinemia 1; Hypercholesterolemia, autosomal dominant, type B. Last evaluated: 2024-09-30. Review status: criteria provided, single submitter. Criteria: Invitae Variant Classification Sherloc (09022015). Collection method: clinical testing. Allele origin: germline.
Comment: This sequence change replaces asparagine, which is neutral and polar, with serine, which is neutral and polar, at codon 4086 of the APOB protein (p.Asn4086Ser). This variant is not present in population databases (gnomAD no frequency). This variant has not been reported in the literature in individuals affected with APOB-related conditions. ClinVar contains an entry for this variant (Variation ID: 1754022). Invitae Evidence Modeling of protein sequence and biophysical properties (such as structural, functional, and spatial information, amino acid conservation, physicochemical variation, residue mobility, and thermodynamic stability) indicates that this missense variant is not expected to disrupt APOB protein function with a negative predictive value of 95%. In summary, the available evidence is currently insufficient to determine the role of this variant in disease. Therefore, it has been classified as a Variant of Uncertain Significance.

Ambry Genetics
Classification: Uncertain significance for Cardiovascular phenotype. Last evaluated: 2018-07-18. Review status: criteria provided, single submitter. Criteria: Ambry Variant Classification Scheme 2023. Collection method: clinical testing. Allele origin: germline.
Comment: The p.N4086S variant (also known as c.12257A>G), located in coding exon 29 of the APOB gene, results from an A to G substitution at nucleotide position 12257. The asparagine at codon 4086 is replaced by serine, an amino acid with highly similar properties. This amino acid position is not well conserved in available vertebrate species, and serine is the reference amino acid in other vertebrate species. In addition, this alteration is predicted to be tolerated by in silico analysis. Since supporting evidence is limited at this time, the clinical significance of this alteration remains unclear.

NM_000384.3(APOB):c.12257A>G (p.Asn4086Ser)

Gene: APOB (apolipoprotein B; minus strand). Cytogenetic location: 2p24.1.
Variant type: single nucleotide variant.
Coding change: c.12257A>G on transcript NM_000384.3 (MANE Select); coding-DNA position 12257, A replaced by G.
Protein change: p.Asn4086Ser; replaces asparagine 4086 with serine.
Molecular consequence: missense variant.
Genome position (GRCh38, 1-based): chr2:21,003,165, T>C on the plus strand (A>G on the coding strand, the complement: APOB is on the minus strand). VCF-style: chr2-21003165-T-C. GRCh37 (hg19) VCF-style: chr2-21226037-T-C.
Other names: short protein forms N4086S.
Identifiers: ClinVar variation 1754022 (VCV001754022.4), dbSNP rs2465351041, ClinGen allele CA345971897.